The following is an entry in ClinVar:

ClinVar aggregate classification (germline): Likely benign (1 of 4 stars; one submission).

Conditions:
FAM131A-related disorder. Also called: FAM131A-related condition.

Submission:

PreventionGenetics, part of Exact Sciences
Classification: Likely benign for FAM131A-related condition. Last evaluated: 2025-03-25. Review status: criteria provided, single submitter. Criteria: ACMG Guidelines, 2015. Collection method: clinical testing. Allele origin: germline.
Comment: This variant is classified as likely benign based on ACMG/AMP sequence variant interpretation guidelines (Richards et al. 2015 PMID: 25741868, with internal and published modifications).

NM_144635.5(FAM131A):c.810G>A (p.Arg270=)

Gene: FAM131A (family with sequence similarity 131 member A; plus strand). Cytogenetic location: 3q27.1.
Variant type: single nucleotide variant.
Coding change: c.810G>A on transcript NM_144635.5 (MANE Select); coding-DNA position 810, G replaced by A.
Protein change: p.Arg270=; no amino-acid change (arginine 270 retained).
Molecular consequence: synonymous variant.
Genome position (GRCh38, 1-based): chr3:184,344,679, G>A. VCF-style: chr3-184344679-G-A. GRCh37 (hg19) VCF-style: chr3-184062467-G-A.
Other names: c.555G>A, p.Arg185= (NM_001171093.2, NM_001366133.1, NM_001366134.1).
Identifiers: ClinVar variation 5001777 (VCV005001777.1).